The following is an entry in ClinVar:

NM_001042545.2(LTBP4):c.3515G>A (p.Arg1172Gln)

Gene: LTBP4 (latent transforming growth factor beta binding protein 4; plus strand). Cytogenetic location: 19q13.2.
Variant type: single nucleotide variant.
Coding change: c.3515G>A on transcript NM_001042545.2 (MANE Select); coding-DNA position 3515, G replaced by A.
Protein change: p.Arg1172Gln; replaces arginine 1172 with glutamine.
Molecular consequence: missense variant.
Genome position (GRCh38, 1-based): chr19:40,622,980, G>A. VCF-style: chr19-40622980-G-A. GRCh37 (hg19) VCF-style: chr19-41128885-G-A.
Other names: c.3716G>A, p.Arg1239Gln (NM_001042544.1); c.3605G>A, p.Arg1202Gln (NM_003573.2); short protein forms R1202Q, R1172Q, R1239Q.
Identifiers: ClinVar variation 1912580 (VCV001912580.3), dbSNP rs530560596, ClinGen allele CA9449037.

ClinVar aggregate classification (germline): Uncertain significance. Review status: criteria provided, multiple submitters, no conflicts (2 of 4 stars). 2 submissions from 2 submitters: Uncertain significance (2). Last evaluated 2024-02-26.

Allele frequency attached by ClinVar (database versions not stated): TOPMed 0.00001; gnomAD 0.00005; ExAC 0.00011; 1000 Genomes Project 30x 0.00031; 1000 Genomes Project 0.00040.
gnomAD v4.1: 137 of 1,612,854 alleles (0.0085%); highest among the groups gnomAD compares: South Asian, 0.091%; no homozygotes.

Submissions (2):

GeneDx
Classification: Uncertain significance. Last evaluated: 2024-02-26. Review status: criteria provided, single submitter. Criteria: GeneDx Variant Classification Process June 2021. Collection method: clinical testing. Allele origin: germline. Affected: yes.
Comment: Has not been previously published as pathogenic or benign to our knowledge; At the protein level, in silico analysis supports that this missense variant has a deleterious effect on protein structure/function; At the mRNA level, in silico analysis is inconclusive as to whether the variant alters gene splicing. In the absence of RNA/functional studies, the actual effect of this sequence change is unknown.

Labcorp Genetics (formerly Invitae), Labcorp
Classification: Uncertain significance. Last evaluated: 2022-05-22. Review status: criteria provided, single submitter. Criteria: Invitae Variant Classification Sherloc (09022015). Collection method: clinical testing. Allele origin: germline.
Comment: This sequence change replaces arginine, which is basic and polar, with glutamine, which is neutral and polar, at codon 1202 of the LTBP4 protein (p.Arg1202Gln). This variant is present in population databases (rs530560596, gnomAD 0.07%). This variant has not been reported in the literature in individuals affected with LTBP4-related conditions. Experimental studies and prediction algorithms are not available or were not evaluated, and the functional significance of this variant is currently unknown. Algorithms developed to predict the effect of sequence changes on RNA splicing suggest that this variant may disrupt the consensus splice site. In summary, the available evidence is currently insufficient to determine the role of this variant in disease. Therefore, it has been classified as a Variant of Uncertain Significance.